The following is an entry in ClinVar:

NM_001134363.3(RBM20):c.3209G>T (p.Gly1070Val)

Gene: RBM20 (RNA binding motif protein 20; plus strand). Cytogenetic location: 10q25.2.
Variant type: single nucleotide variant.
Coding change: c.3209G>T on transcript NM_001134363.3 (MANE Select); coding-DNA position 3209, G replaced by T.
Protein change: p.Gly1070Val; replaces glycine 1070 with valine.
Molecular consequence: missense variant.
Genome position (GRCh38, 1-based): chr10:110,821,828, G>T. VCF-style: chr10-110821828-G-T. GRCh37 (hg19) VCF-style: chr10-112581586-G-T.
Other names: short protein forms G1070V.
Identifiers: ClinVar variation 3666199 (VCV003666199.3).

ClinVar aggregate classification (germline): Uncertain significance. Review status: criteria provided, multiple submitters, no conflicts (2 of 4 stars). 2 submissions from 2 submitters: Uncertain significance (2). Last evaluated 2025-12-26.

Conditions:
Dilated cardiomyopathy 1DD (CMD1DD). Identifiers: Orphanet 154, MedGen C2750995, MONDO:0013168, OMIM 613172.
Cardiovascular phenotype. Identifiers: MedGen CN230736.

gnomAD v4.1: 1 of 1,551,722 alleles (0.000064%); highest among the groups gnomAD compares: Non-Finnish European, 0.000087%; no homozygotes.

Submissions (2):

Ambry Genetics
Classification: Uncertain significance for Cardiovascular phenotype. Last evaluated: 2025-12-26. Review status: criteria provided, single submitter. Criteria: Ambry Variant Classification Scheme 2023. Collection method: clinical testing. Allele origin: germline.
Comment: The p.G1070V variant (also known as c.3209G>T), located in coding exon 11 of the RBM20 gene, results from a G to T substitution at nucleotide position 3209. The glycine at codon 1070 is replaced by valine, an amino acid with dissimilar properties. This amino acid position is conserved. In addition, this alteration is predicted to be tolerated by in silico analysis. Based on the available evidence, the clinical significance of this variant remains unclear.

Labcorp Genetics (formerly Invitae), Labcorp
Classification: Uncertain significance for Dilated cardiomyopathy 1DD. Last evaluated: 2024-10-23. Review status: criteria provided, single submitter. Criteria: Invitae Variant Classification Sherloc (09022015). Collection method: clinical testing. Allele origin: germline.
Comment: This sequence change replaces glycine, which is neutral and non-polar, with valine, which is neutral and non-polar, at codon 1070 of the RBM20 protein (p.Gly1070Val). This variant is not present in population databases (gnomAD no frequency). This variant has not been reported in the literature in individuals affected with RBM20-related conditions. Invitae Evidence Modeling of protein sequence and biophysical properties (such as structural, functional, and spatial information, amino acid conservation, physicochemical variation, residue mobility, and thermodynamic stability) indicates that this missense variant is not expected to disrupt RBM20 protein function with a negative predictive value of 95%. In summary, the available evidence is currently insufficient to determine the role of this variant in disease. Therefore, it has been classified as a Variant of Uncertain Significance.